The following is an entry in ClinVar:

ClinVar aggregate classification (germline): Uncertain significance (1 of 4 stars; one submission).

Submission:

Labcorp Genetics (formerly Invitae), Labcorp
Classification: Uncertain significance. Last evaluated: 2022-07-19. Review status: criteria provided, single submitter. Criteria: Invitae Variant Classification Sherloc (09022015). Collection method: clinical testing. Allele origin: germline.
Comment: This variant is not present in population databases (gnomAD no frequency). In summary, the available evidence is currently insufficient to determine the role of this variant in disease. Therefore, it has been classified as a Variant of Uncertain Significance. Algorithms developed to predict the effect of missense changes on protein structure and function are either unavailable or do not agree on the potential impact of this missense change (SIFT: "Deleterious"; PolyPhen-2: "Benign"; Align-GVGD: "Class C0"). This variant has not been reported in the literature in individuals affected with FOXI1-related conditions. This sequence change replaces serine, which is neutral and polar, with asparagine, which is neutral and polar, at codon 363 of the FOXI1 protein (p.Ser363Asn).

NM_012188.5(FOXI1):c.1088G>A (p.Ser363Asn)

Gene: FOXI1 (forkhead box I1; plus strand). Cytogenetic location: 5q35.1.
Variant type: single nucleotide variant.
Coding change: c.1088G>A on transcript NM_012188.5 (MANE Select); coding-DNA position 1088, G replaced by A.
Protein change: p.Ser363Asn; replaces serine 363 with asparagine.
Molecular consequence: missense variant.
Genome position (GRCh38, 1-based): chr5:170,108,562, G>A. VCF-style: chr5-170108562-G-A. GRCh37 (hg19) VCF-style: chr5-169535566-G-A.
Other names: c.803G>A, p.Ser268Asn (NM_144769.4); short protein forms S363N, S268N.
Identifiers: ClinVar variation 2045324 (VCV002045324.4), dbSNP rs150705492, ClinGen allele CA362128864.
Genomic context (GRCh38, chr5:170,108,562, plus strand): 5'-CCAACATGCTCAGCTATGGAGGATCTGTGCTCAGCCAATTCAGCCCTCACTTCTACAACA[G>A]TGTCAACACCAGTGGTGTCCTCTACCCCAGGGAGGGCACCGAGGTCTAGGTACAGAACAG-3'
Protein context (NP_036320.2, residues 353-373): LSQFSPHFYN[Ser363Asn]VNTSGVLYPR